The following is an entry in ClinVar:

NM_170784.3(MKKS):c.363A>C (p.Lys121Asn)

Gene: MKKS (MKKS centrosomal shuttling protein; minus strand). Cytogenetic location: 20p12.2.
Variant type: single nucleotide variant.
Coding change: c.363A>C on transcript NM_170784.3 (MANE Select); coding-DNA position 363, A replaced by C.
Protein change: p.Lys121Asn; replaces lysine 121 with asparagine.
Molecular consequence: missense variant.
Genome position (GRCh38, 1-based): chr20:10,413,152, T>G on the plus strand (A>C on the coding strand, the complement: MKKS is on the minus strand). VCF-style: chr20-10413152-T-G. GRCh37 (hg19) VCF-style: chr20-10393800-T-G.
Other names: c.363A>C, p.Lys121Asn (NM_018848.3); short protein forms K121N.
Identifiers: ClinVar variation 1477984 (VCV001477984.9), dbSNP rs745313480, ClinGen allele CA9763701.

ClinVar aggregate classification (germline): Uncertain significance. Review status: criteria provided, multiple submitters, no conflicts (2 of 4 stars). 3 submissions from 3 submitters: Uncertain significance (2). 1 of the submissions does not count toward it. Last evaluated 2024-08-08.

Conditions:
MKKS-related disorder. Also called: MKKS-related condition; MKKS-related disorders.
McKusick-Kaufman syndrome (MKKS). Also called: HYDROMETROCOLPOS SYNDROME; HYDROMETROCOLPOS, POSTAXIAL POLYDACTYLY, AND CONGENITAL HEART MALFORMATION. Identifiers: Orphanet 2473, MedGen C0948368, MONDO:0009367, OMIM 236700.
Bardet-Biedl syndrome 6 (BBS6). Identifiers: Orphanet 110, MedGen C1858054, MONDO:0011523, OMIM 605231.
Bardet-Biedl syndrome (BBS). Identifiers: Orphanet 110, MedGen C0752166, MONDO:0015229.

Allele frequency attached by ClinVar (database versions not stated): TOPMed 0.00001; ExAC 0.00002; gnomAD exomes 0.00002 and 0.00003.
gnomAD v4.1: 17 of 1,614,134 alleles (0.0011%); highest among the groups gnomAD compares: Non-Finnish European, 0.0014%; no homozygotes.

Submissions (3):

Labcorp Genetics (formerly Invitae), Labcorp
Classification: Uncertain significance for McKusick-Kaufman syndrome; Bardet-Biedl syndrome. Last evaluated: 2024-08-08. Review status: criteria provided, single submitter. Criteria: Invitae Variant Classification Sherloc (09022015). Collection method: clinical testing. Allele origin: germline.
Comment: This sequence change replaces lysine, which is basic and polar, with asparagine, which is neutral and polar, at codon 121 of the MKKS protein (p.Lys121Asn). This variant is present in population databases (rs745313480, gnomAD 0.004%). This variant has not been reported in the literature in individuals affected with MKKS-related conditions. ClinVar contains an entry for this variant (Variation ID: 1477984). Advanced modeling of protein sequence and biophysical properties (such as structural, functional, and spatial information, amino acid conservation, physicochemical variation, residue mobility, and thermodynamic stability) performed at Invitae indicates that this missense variant is not expected to disrupt MKKS protein function with a negative predictive value of 80%. In summary, the available evidence is currently insufficient to determine the role of this variant in disease. Therefore, it has been classified as a Variant of Uncertain Significance.

Fulgent Genetics
Classification: Uncertain significance for McKusick-Kaufman syndrome; Bardet-Biedl syndrome 6. Last evaluated: 2021-11-05. Review status: criteria provided, single submitter. Criteria: ACMG Guidelines, 2015. Collection method: clinical testing. Allele origin: unknown.

PreventionGenetics, part of Exact Sciences
Classification: Uncertain significance for MKKS-related condition. Last evaluated: 2024-01-19. Review status: no assertion criteria provided. Collection method: clinical testing. Allele origin: germline. Not counted in ClinVar's aggregate classification.
Comment: The MKKS c.363A>C variant is predicted to result in the amino acid substitution p.Lys121Asn. To our knowledge, this variant has not been reported in the literature. This variant is reported in 0.0053% of alleles in individuals of European (Non-Finnish) descent in gnomAD. At this time, the clinical significance of this variant is uncertain due to the absence of conclusive functional and genetic evidence.